The following is an entry in ClinVar:

ClinVar aggregate classification (germline): Benign/Likely benign. Review status: criteria provided, multiple submitters, no conflicts (2 of 4 stars). 2 submissions from 2 submitters: Benign (1); Likely benign (1). Last evaluated 2024-06-10.

Conditions:
Familial cancer of breast. Also called: BREAST CANCER, FAMILIAL; Hereditary breast cancer; hereditary breast carcinoma. Identifiers: Orphanet 227535, MedGen C0346153, MONDO:0016419, OMIM 114480. Disease mechanism: loss of function.
Hereditary cancer-predisposing syndrome. Also called: Hereditary Cancer Syndrome; Hereditary neoplastic syndrome; Neoplastic Syndromes, Hereditary; Tumor predisposition. Identifiers: Orphanet 140162, MedGen C0027672, MeSH D009386, MONDO:0015356.

Submissions (2):

Myriad Genetics, Inc.
Classification: Benign for Familial cancer of breast. Last evaluated: 2024-06-10. Review status: criteria provided, single submitter. Criteria: Myriad Autosomal Dominant, Autosomal Recessive and X-Linked Classification Criteria (2023). Collection method: clinical testing. Allele origin: unknown.
Comment: This variant is considered benign. This variant is a silent/synonymous amino acid change and it is not expected to impact splicing.

Ambry Genetics
Classification: Likely benign for Hereditary cancer-predisposing syndrome. Last evaluated: 2023-08-11. Review status: criteria provided, single submitter. Criteria: Ambry Variant Classification Scheme 2023. Collection method: clinical testing. Allele origin: germline.

NM_000051.4(ATM):c.6732A>G (p.Arg2244=)

Genes: ATM (ATM serine/threonine kinase; plus strand), C11orf65 (chromosome 11 open reading frame 65; minus strand). Cytogenetic location: 11q22.3.
Variant type: single nucleotide variant.
Coding change: c.6732A>G on transcript NM_000051.4 (MANE Select); coding-DNA position 6732, A replaced by G.
Protein change: p.Arg2244=; no amino-acid change (arginine 2244 retained).
Molecular consequence: synonymous variant. On other transcripts: intron variant (2).
Genome position (GRCh38, 1-based): chr11:108,325,469, A>G. VCF-style: chr11-108325469-A-G. GRCh37 (hg19) VCF-style: chr11-108196196-A-G.
Other names: c.6732A>G, p.Arg2244= (NM_001351834.2); c.641-16398T>C (NM_001330368.2); c.*38+9751T>C (NM_001351110.2).
Identifiers: ClinVar variation 2587799 (VCV002587799.3), dbSNP rs2136315050, ClinGen allele CA476745526.
Genomic context (GRCh38, chr11:108,325,469, plus strand): 5'-GGCTCTACGCACAGTCATTTTGGAGATCCTGATGGAAAAGGAAATGGACAACTCACAAAG[A>G]GAATGTATTAAGGACATTCTCACCAAACACCTTGTAGAACTCTCTATACTGGCCAGAACT-3'
Protein context (NP_000042.3, residues 2234-2254): LMEKEMDNSQ[Arg2244=]ECIKDILTKH